The following is an entry in ClinVar:

ClinVar aggregate classification (germline): Uncertain significance (1 of 4 stars; one submission).

Conditions:
Focal segmental glomerulosclerosis 5 (FSGS5). Identifiers: Orphanet 656, MedGen C2750475, MONDO:0013191, OMIM 613237.
Charcot-Marie-Tooth disease dominant intermediate E. Also called: CHARCOT-MARIE-TOOTH NEUROPATHY WITH FOCAL SEGMENTAL GLOMERULONEPHRITIS. Identifiers: Orphanet 93114, MedGen C4302667, MONDO:0013758, OMIM 614455.

Submission:

Labcorp Genetics (formerly Invitae), Labcorp
Classification: Uncertain significance for Charcot-Marie-Tooth disease dominant intermediate E; Focal segmental glomerulosclerosis 5. Last evaluated: 2021-12-23. Review status: criteria provided, single submitter. Criteria: Invitae Variant Classification Sherloc (09022015). Collection method: clinical testing. Allele origin: germline.
Comment: Algorithms developed to predict the effect of missense changes on protein structure and function are either unavailable or do not agree on the potential impact of this missense change (SIFT: "Deleterious"; PolyPhen-2: "Not Available"; Align-GVGD: "Class C0"). In summary, the available evidence is currently insufficient to determine the role of this variant in disease. Therefore, it has been classified as a Variant of Uncertain Significance. This variant has not been reported in the literature in individuals affected with INF2-related conditions. This variant is not present in population databases (gnomAD no frequency). This sequence change replaces phenylalanine, which is neutral and non-polar, with valine, which is neutral and non-polar, at codon 648 of the INF2 protein (p.Phe648Val).

NM_022489.4(INF2):c.1942T>G (p.Phe648Val)

Gene: INF2 (inverted formin 2; plus strand). Cytogenetic location: 14q32.33.
Variant type: single nucleotide variant.
Coding change: c.1942T>G on transcript NM_022489.4 (MANE Select); coding-DNA position 1942, T replaced by G.
Protein change: p.Phe648Val; replaces phenylalanine 648 with valine.
Molecular consequence: missense variant.
Genome position (GRCh38, 1-based): chr14:104,708,725, T>G. VCF-style: chr14-104708725-T-G. GRCh37 (hg19) VCF-style: chr14-105175062-T-G.
Other names: c.1942T>G, p.Phe648Val (NM_001031714.4); short protein forms F648V.
Identifiers: ClinVar variation 2054135 (VCV002054135.4), dbSNP rs755349168, ClinGen allele CA391219113.